The following is an entry in ClinVar:

ClinVar aggregate classification (germline): Uncertain significance. Review status: criteria provided, multiple submitters, no conflicts (2 of 4 stars). 2 submissions from 2 submitters: Uncertain significance (2). Last evaluated 2025-07-17.

Conditions:
Tuberous sclerosis 2 (TSC2). Identifiers: Orphanet 805, MedGen C1860707, MONDO:0013199, OMIM 613254.
Hereditary cancer-predisposing syndrome. Also called: Tumor predisposition; Hereditary neoplastic syndrome; Hereditary Cancer Syndrome; Neoplastic Syndromes, Hereditary. Identifiers: Orphanet 140162, MedGen C0027672, MeSH D009386, MONDO:0015356.

Submissions (2):

Ambry Genetics
Classification: Uncertain significance for Hereditary cancer-predisposing syndrome. Last evaluated: 2025-07-17. Review status: criteria provided, single submitter. Criteria: Ambry Variant Classification Scheme 2023. Collection method: clinical testing. Allele origin: germline.
Comment: The p.A516V variant (also known as c.1547C>T), located in coding exon 14 of the TSC2 gene, results from a C to T substitution at nucleotide position 1547. The alanine at codon 516 is replaced by valine, an amino acid with similar properties. This amino acid position is highly conserved in available vertebrate species. In addition, this alteration is predicted to be deleterious by in silico analysis. Since supporting evidence is limited at this time, the clinical significance of this alteration remains unclear.

Labcorp Genetics (formerly Invitae), Labcorp
Classification: Uncertain significance for Tuberous sclerosis 2. Last evaluated: 2024-07-15. Review status: criteria provided, single submitter. Criteria: Invitae Variant Classification Sherloc (09022015). Collection method: clinical testing. Allele origin: germline.
Comment: This sequence change replaces alanine, which is neutral and non-polar, with valine, which is neutral and non-polar, at codon 516 of the TSC2 protein (p.Ala516Val). This variant is not present in population databases (gnomAD no frequency). This variant has not been reported in the literature in individuals affected with TSC2-related conditions. ClinVar contains an entry for this variant (Variation ID: 1443337). Advanced modeling of protein sequence and biophysical properties (such as structural, functional, and spatial information, amino acid conservation, physicochemical variation, residue mobility, and thermodynamic stability) performed at Invitae indicates that this missense variant is not expected to disrupt TSC2 protein function with a negative predictive value of 95%. In summary, the available evidence is currently insufficient to determine the role of this variant in disease. Therefore, it has been classified as a Variant of Uncertain Significance.

NM_000548.5(TSC2):c.1547C>T (p.Ala516Val)

Gene: TSC2 (TSC complex subunit 2; plus strand). Cytogenetic location: 16p13.3.
Variant type: single nucleotide variant.
Coding change: c.1547C>T on transcript NM_000548.5 (MANE Select); coding-DNA position 1547, C replaced by T.
Protein change: p.Ala516Val; replaces alanine 516 with valine.
Molecular consequence: missense variant.
Genome position (GRCh38, 1-based): chr16:2,064,375, C>T. VCF-style: chr16-2064375-C-T. GRCh37 (hg19) VCF-style: chr16-2114376-C-T.
Other names: c.1547C>T, p.Ala516Val (NM_001077183.3, NM_001114382.3, NM_001363528.2 and 3 more transcripts); c.1436C>T, p.Ala479Val (NM_001318827.2); c.1400C>T, p.Ala467Val (NM_001318829.2); c.947C>T, p.Ala316Val (NM_001318831.2); c.1580C>T, p.Ala527Val (NM_001318832.2); short protein forms A467V, A516V, A316V, A479V, A527V.
Identifiers: ClinVar variation 1443337 (VCV001443337.11), dbSNP rs2151190764, ClinGen allele CA394326420.